The following is an entry in ClinVar:

ClinVar aggregate classification (germline): Conflicting classifications of pathogenicity. Review status: criteria provided, conflicting classifications (1 of 4 stars). 2 submissions from 2 submitters: Uncertain significance (1); Likely benign (1). Last evaluated 2026-01-01.

gnomAD v4.1: 21 of 1,614,156 alleles (0.0013%); highest among the groups gnomAD compares: Middle Eastern, 0.016%; no homozygotes.

Submissions (2):

CeGaT Center for Human Genetics Tuebingen
Classification: Likely benign. Last evaluated: 2026-01-01. Review status: criteria provided, single submitter. Criteria: CeGaT Center For Human Genetics Tuebingen Variant Classification Criteria Version 2. Collection method: clinical testing. Allele origin: germline. Affected: yes. Observed: 1 variant allele.
Comment: SPTA1: BP4

Ambry Genetics
Classification: Uncertain significance. Last evaluated: 2025-11-13. Review status: criteria provided, single submitter. Criteria: Ambry Variant Classification Scheme 2023. Collection method: clinical testing. Allele origin: germline.

NM_003126.4(SPTA1):c.6097G>A (p.Glu2033Lys)

Gene: SPTA1 (spectrin alpha, erythrocytic 1; minus strand). Cytogenetic location: 1q23.1.
Variant type: single nucleotide variant.
Coding change: c.6097G>A on transcript NM_003126.4 (MANE Select); coding-DNA position 6097, G replaced by A.
Protein change: p.Glu2033Lys; replaces glutamic acid 2033 with lysine.
Molecular consequence: missense variant.
Genome position (GRCh38, 1-based): chr1:158,623,006, C>T on the plus strand (G>A on the coding strand, the complement: SPTA1 is on the minus strand). VCF-style: chr1-158623006-C-T. GRCh37 (hg19) VCF-style: chr1-158592796-C-T.
Other names: short protein forms E2033K.
Identifiers: ClinVar variation 4589246 (VCV004589246.5).
Genomic context (GRCh38, chr1:158,623,006, plus strand): 5'-AACAGAGAACTGATCATGCCTCATAATTTTTTTAAACCTTCTGTAGAGGCAGCTGTTTCT[C>T]CAGCAATTTCTGTCTGTGGACTGCCGAGGCTTCCAGCAACTGTTCCCAGCGCTTCAGCAG-3'
Protein context (NP_003117.2, residues 2023-2043): ASAVHRQKLL[Glu2033Lys]KQLPLQKAED